The following is an entry in ClinVar:

ClinVar aggregate classification (germline): Pathogenic (1 of 4 stars; one submission).

Conditions:
Cystinuria (CSNU). Also called: CYSTINURIA, TYPE I; CYSTINURIA, TYPE II; CYSTINURIA, TYPE III; Cystinuria, non-type I. Identifiers: Orphanet 214, MedGen C0010691, MONDO:0009067, OMIM 220100, HP:0003131.

Submission:

Labcorp Genetics (formerly Invitae), Labcorp
Classification: Pathogenic for Cystinuria. Last evaluated: 2023-11-10. Review status: criteria provided, single submitter. Criteria: Invitae Variant Classification Sherloc (09022015). Collection method: clinical testing. Allele origin: germline.
Comment: This variant is a gross deletion of the genomic region encompassing exon(s) 2-3 of the SLC3A1 gene. This deletion is out-of-frame, and is expected to create a premature termination codon and result in an absent or disrupted protein product. Loss-of-function variants in SLC3A1 are known to be pathogenic (PMID: 24610330, 25109415, 25964309). A similar copy number variant has been observed in individual(s) with cystinuria (PMID: 19782624). For these reasons, this variant has been classified as Pathogenic.

Literature cited by the submitters: PubMed 24610330; PubMed 25109415; PubMed 25964309; PubMed 19782624.

NC_000002.11:g.(?_44507835)_(44508700_?)del

Gene: SLC3A1 (solute carrier family 3 member 1; plus strand). Cytogenetic location: 2p21.
Variant type: Deletion.
Identifiers: ClinVar variation 2422931 (VCV002422931.4).